The following is an entry in ClinVar:

NM_020738.4(KIDINS220):c.1125T>C (p.Ala375=)

Gene: KIDINS220 (kinase D interacting substrate 220; minus strand). Cytogenetic location: 2p25.1.
Variant type: single nucleotide variant.
Coding change: c.1125T>C on transcript NM_020738.4 (MANE Select); coding-DNA position 1125, T replaced by C.
Protein change: p.Ala375=; no amino-acid change (alanine 375 retained).
Molecular consequence: synonymous variant. On other transcripts: non-coding transcript variant (2).
Genome position (GRCh38, 1-based): chr2:8,793,961, A>G on the plus strand (T>C on the coding strand, the complement: KIDINS220 is on the minus strand). VCF-style: chr2-8793961-A-G. GRCh37 (hg19) VCF-style: chr2-8934091-A-G.
Other names: c.1128T>C, p.Ala376= (NM_001348729.2, NM_001348731.2, NM_001348734.2 and 3 more transcripts); c.1125T>C, p.Ala375= (NM_001348732.2, NM_001348735.2, NM_001348738.2 and 3 more transcripts); c.999T>C, p.Ala333= (NM_001348736.2).
Identifiers: ClinVar variation 746320 (VCV000746320.33), dbSNP rs113991487, ClinGen allele CA1520241.

ClinVar aggregate classification (germline): Benign. Review status: criteria provided, multiple submitters, no conflicts (2 of 4 stars). 3 submissions from 3 submitters: Benign (3). Last evaluated 2026-04-01.

Allele frequency attached by ClinVar (database versions not stated): gnomAD 0.00047 and 0.00078; ESP Exome Variant Server 0.00059; TOPMed 0.00064; gnomAD exomes 0.00120 and 0.00202; 1000 Genomes Project 30x 0.00125; 1000 Genomes Project 0.00140; ExAC 0.00188.
gnomAD v4.1: 1,906 of 1,612,872 alleles (0.12%); highest among the groups gnomAD compares: South Asian, 1.1%; 19 homozygotes.

Submissions (3):

CeGaT Center for Human Genetics Tuebingen
Classification: Benign. Last evaluated: 2026-04-01. Review status: criteria provided, single submitter. Criteria: CeGaT Center For Human Genetics Tuebingen Variant Classification Criteria Version 2. Collection method: clinical testing. Allele origin: germline. Affected: yes. Observed: 5 variant alleles.
Comment: KIDINS220: BP4, BP7, BS1, BS2

Labcorp Genetics (formerly Invitae), Labcorp
Classification: Benign. Last evaluated: 2026-01-27. Review status: criteria provided, single submitter. Criteria: Invitae Variant Classification Sherloc (09022015). Collection method: clinical testing. Allele origin: germline.

Breakthrough Genomics
Classification: Benign. Review status: criteria provided, single submitter. Criteria: ACMG Guidelines, 2015. Collection method: not provided. Allele origin: germline. Inheritance: Autosomal recessive inheritance. Affected: yes.